The following is an entry in ClinVar:

NM_001855.5(COL15A1):c.3632C>T (p.Ala1211Val)

Gene: COL15A1 (collagen type XV alpha 1 chain; plus strand). Cytogenetic location: 9q22.33.
Variant type: single nucleotide variant.
Coding change: c.3632C>T on transcript NM_001855.5 (MANE Select); coding-DNA position 3632, C replaced by T.
Protein change: p.Ala1211Val; replaces alanine 1211 with valine.
Molecular consequence: missense variant.
Genome position (GRCh38, 1-based): chr9:99,063,090, C>T. VCF-style: chr9-99063090-C-T. GRCh37 (hg19) VCF-style: chr9-101825372-C-T.
Other names: short protein forms A1211V.
Identifiers: ClinVar variation 3050411 (VCV003050411.2), dbSNP rs185270581, ClinGen allele CA5155943.

ClinVar aggregate classification (germline): Benign (0 of 4 stars; one submission).

Conditions:
COL15A1-related disorder. Also called: COL15A1-related condition.

Allele frequency attached by ClinVar (database versions not stated): ESP Exome Variant Server 0.00023; TOPMed 0.00053; gnomAD 0.00080; gnomAD exomes 0.00109; ExAC 0.00226; 1000 Genomes Project 30x 0.00500; 1000 Genomes Project 0.00539.
gnomAD v4.1: 1,700 of 1,581,698 alleles (0.11%); highest among the groups gnomAD compares: South Asian, 1.1%; 24 homozygotes.

Submission:

PreventionGenetics, part of Exact Sciences
Classification: Benign for COL15A1-related condition. Last evaluated: 2019-07-23. Review status: no assertion criteria provided. Collection method: clinical testing. Allele origin: germline.
Comment: This variant is classified as benign based on ACMG/AMP sequence variant interpretation guidelines (Richards et al. 2015 PMID: 25741868, with internal and published modifications).